The following is an entry in ClinVar:

ClinVar aggregate classification (germline): Pathogenic (1 of 4 stars; one submission).

Submission:

GeneDx
Classification: Pathogenic. Last evaluated: 2024-12-12. Review status: criteria provided, single submitter. Criteria: GeneDx Variant Classification Process June 2021. Collection method: clinical testing. Allele origin: germline. Affected: yes.
Comment: Identified in an individual with a clinical diagnosis of Blepharophimosis-Ptosis-Epicanthus Inversus Syndrome in the literature (PMID: 18484667); Frameshift variant predicted to result in abnormal protein length as the last 65 amino acid(s) are replaced with 50 different amino acid(s), and other similar variants have been reported in HGMD; Not observed at significant frequency in large population cohorts (gnomAD); This variant is associated with the following publications: (PMID: 18484667)

NM_023067.4(FOXL2):c.915_934dup (p.His312fs)

Gene: FOXL2 (forkhead box L2; minus strand). Cytogenetic location: 3q22.3.
Variant type: Duplication.
Coding change: c.915_934dup on transcript NM_023067.4 (MANE Select); coding-DNA positions 915 to 934, 20 bases duplicated (GCCGCCTGCCCCACCGCACC).
Protein change: p.His312fs; shifts the reading frame from histidine 312.
Molecular consequence: frameshift variant.
Genome position (GRCh38, 1-based): chr3:138,945,789-138,945,808, GGTGCGGTGGGGCAGGCGGC duplicated on the plus strand (GCCGCCTGCCCCACCGCACC on the coding strand, the reverse complement: FOXL2 is on the minus strand); duplicating any 20 consecutive bases within chr3:138,945,789-138,945,815 gives the same sequence; the c. name uses the placement nearest the transcript's 3' end. VCF-style (leftmost placement, unchanged base first): chr3-138945788-T-TGGTGCGGTGGGGCAGGCGGC. GRCh37 (hg19) VCF-style: chr3-138664630-T-TGGTGCGGTGGGGCAGGCGGC.
Other names: short protein forms H312fs.
Identifiers: ClinVar variation 3903179 (VCV003903179.1).